The following is an entry in ClinVar:

NM_016148.5(SHANK1):c.4267A>G (p.Arg1423Gly)

Gene: SHANK1 (SH3 and multiple ankyrin repeat domains 1; minus strand). Cytogenetic location: 19q13.33.
Variant type: single nucleotide variant.
Coding change: c.4267A>G on transcript NM_016148.5 (MANE Select); coding-DNA position 4267, A replaced by G.
Protein change: p.Arg1423Gly; replaces arginine 1423 with glycine.
Molecular consequence: missense variant.
Genome position (GRCh38, 1-based): chr19:50,667,693, T>C on the plus strand (A>G on the coding strand, the complement: SHANK1 is on the minus strand). VCF-style: chr19-50667693-T-C. GRCh37 (hg19) VCF-style: chr19-51170950-T-C.
Other names: short protein forms R1423G.
Identifiers: ClinVar variation 2593673 (VCV002593673.6), dbSNP rs755914518, ClinGen allele CA9601217.
Genomic context (GRCh38, chr19:50,667,693, plus strand): 5'-AACGCCGGGCGGCGGGCGGGCTGGCGGGAAGGGACTTCTCCTGGCTGCCCAGCCCGGCCC[T>C]GTACCCCAGCTCCCGGCGCGCAGGGTCCGGCGGGGAGGCCCCCCAGAGACGCAGCACTGG-3'
Protein context (NP_057232.2, residues 1413-1433): PDPARRELGY[Arg1423Gly]AGLGSQEKSL

ClinVar aggregate classification (germline): Uncertain significance. Review status: criteria provided, multiple submitters, no conflicts (2 of 4 stars). 2 submissions from 2 submitters: Uncertain significance (2). Last evaluated 2025-08-25.

Conditions:
Inborn genetic diseases. Identifiers: MedGen C0950123, MeSH D030342.

Allele frequency attached by ClinVar (database versions not stated): gnomAD exomes 0.00007; gnomAD 0.00009; TOPMed 0.00011.

Submissions (2):

Ambry Genetics
Classification: Uncertain significance for Inborn genetic diseases. Last evaluated: 2025-08-25. Review status: criteria provided, single submitter. Criteria: Ambry Variant Classification Scheme 2023. Collection method: clinical testing. Allele origin: germline.

Labcorp Genetics (formerly Invitae), Labcorp
Classification: Uncertain significance. Last evaluated: 2023-09-07. Review status: criteria provided, single submitter. Criteria: Invitae Variant Classification Sherloc (09022015). Collection method: clinical testing. Allele origin: germline.
Comment: In summary, the available evidence is currently insufficient to determine the role of this variant in disease. Therefore, it has been classified as a Variant of Uncertain Significance. Experimental studies and prediction algorithms are not available or were not evaluated, and the functional significance of this variant is currently unknown. This variant has not been reported in the literature in individuals affected with SHANK1-related conditions. The frequency data for this variant in the population databases is considered unreliable, as metrics indicate poor data quality at this position in the gnomAD database. This sequence change replaces arginine, which is basic and polar, with glycine, which is neutral and non-polar, at codon 1423 of the SHANK1 protein (p.Arg1423Gly).